The following is an entry in ClinVar:

NM_004082.5(DCTN1):c.2550G>C (p.Gln850His)

Gene: DCTN1 (dynactin subunit 1; minus strand). Cytogenetic location: 2p13.1.
Variant type: single nucleotide variant.
Coding change: c.2550G>C on transcript NM_004082.5 (MANE Select); coding-DNA position 2550, G replaced by C.
Protein change: p.Gln850His; replaces glutamine 850 with histidine.
Molecular consequence: missense variant. On other transcripts: non-coding transcript variant (1).
Genome position (GRCh38, 1-based): chr2:74,366,537, C>G on the plus strand (G>C on the coding strand, the complement: DCTN1 is on the minus strand). VCF-style: chr2-74366537-C-G. GRCh37 (hg19) VCF-style: chr2-74593664-C-G.
Other names: c.2490G>C, p.Gln830His (NM_001135040.3); c.2148G>C, p.Gln716His (NM_001135041.3, NM_023019.4); c.2439G>C, p.Gln813His (NM_001190836.2); c.2529G>C, p.Gln843His (NM_001190837.2); c.2499G>C, p.Gln833His (NM_001378991.1); c.2481G>C, p.Gln827His (NM_001378992.1); short protein forms Q716H, Q827H, Q843H, Q850H, Q833H, Q813H, Q830H.
Identifiers: ClinVar variation 1446461 (VCV001446461.6), dbSNP rs2104415238, ClinGen allele CA347346375.

ClinVar aggregate classification (germline): Uncertain significance (1 of 4 stars; one submission).

Conditions:
Amyotrophic lateral sclerosis type 1 (ALS1). Also called: AMYOTROPHIC LATERAL SCLEROSIS 1, FAMILIAL. Identifiers: Orphanet 803, MedGen C1862939, MONDO:0007103, OMIM 105400.
Perry syndrome. Also called: PARKINSONISM WITH ALVEOLAR HYPOVENTILATION AND MENTAL DEPRESSION. Identifiers: Orphanet 178509, MedGen C1868594, MONDO:0008201, OMIM 168605.
Neuronopathy, distal hereditary motor, type 7B. Also called: HMN VIIB; LOWER MOTOR NEURON DISEASE, DYNACTIN TYPE; NEURONOPATHY, DISTAL HEREDITARY MOTOR, AUTOSOMAL DOMINANT 14; NEURONOPATHY, DISTAL HEREDITARY MOTOR, HARDING TYPE VIIB; NEUROPATHY, DISTAL HEREDITARY MOTOR, HARDING TYPE VIIB; NEUROPATHY, DISTAL HEREDITARY MOTOR, WITH VOCAL CORD PARALYSIS, HARDING TYPE VIIB. Identifiers: Orphanet 139589, MedGen C1843315, MONDO:0011879, OMIM 607641.

Allele frequency attached by ClinVar (database versions not stated): gnomAD exomes below 0.00001.
gnomAD v4.1: 1 of 1,614,118 alleles (0.000062%); highest among the groups gnomAD compares: Non-Finnish European, 0.000085%; no homozygotes.

Submission:

Labcorp Genetics (formerly Invitae), Labcorp
Classification: Uncertain significance for Amyotrophic lateral sclerosis type 1; Neuronopathy, distal hereditary motor, type 7B; Perry syndrome. Last evaluated: 2021-10-14. Review status: criteria provided, single submitter. Criteria: Invitae Variant Classification Sherloc (09022015). Collection method: clinical testing. Allele origin: germline.
Comment: This sequence change replaces glutamine with histidine at codon 850 of the DCTN1 protein (p.Gln850His). The glutamine residue is highly conserved and there is a small physicochemical difference between glutamine and histidine. In summary, the available evidence is currently insufficient to determine the role of this variant in disease. Therefore, it has been classified as a Variant of Uncertain Significance. Algorithms developed to predict the effect of missense changes on protein structure and function are either unavailable or do not agree on the potential impact of this missense change (SIFT: "Deleterious"; PolyPhen-2: "Probably Damaging"; Align-GVGD: "Class C15"). This variant has not been reported in the literature in individuals affected with DCTN1-related conditions. This variant is not present in population databases (ExAC no frequency).